The following is an entry in ClinVar:

NM_005585.5(SMAD6):c.1011G>A (p.Trp337Ter)

Gene: SMAD6 (SMAD family member 6; plus strand). Cytogenetic location: 15q22.31.
Variant type: single nucleotide variant.
Coding change: c.1011G>A on transcript NM_005585.5 (MANE Select); coding-DNA position 1011, G replaced by A.
Protein change: p.Trp337Ter; replaces tryptophan 337 with a stop codon.
Molecular consequence: nonsense. On other transcripts: non-coding transcript variant (1).
Genome position (GRCh38, 1-based): chr15:66,781,055, G>A. VCF-style: chr15-66781055-G-A. GRCh37 (hg19) VCF-style: chr15-67073393-G-A.
Other names: short protein forms W337*.
Identifiers: ClinVar variation 1320368 (VCV001320368.3), dbSNP rs1595804715, ClinGen allele CA393201671.

ClinVar aggregate classification (germline): Likely pathogenic (1 of 4 stars; one submission).

Allele frequency attached by ClinVar (database versions not stated): TOPMed below 0.00001.

Submission:

GeneDx
Classification: Likely pathogenic. Last evaluated: 2025-12-11. Review status: criteria provided, single submitter. Criteria: GeneDx Variant Classification Process June 2021. Collection method: clinical testing. Allele origin: germline. Affected: yes.
Comment: Has been reported previously in patient with reported hypoplastic left heart syndrome who also harbored variants in several additional genes which may play a role in the phenotype; further clinical information nor segregation was specified in this report (PMID: 28530678); Not observed at significant frequency in large population cohorts (gnomAD); Nonsense variant predicted to result in protein truncation, as the last 160 amino acid(s) are lost, and other loss-of-function variants have been reported downstream in HGMD; This variant is associated with the following publications: (PMID: 28530678)